The following is an entry in ClinVar:

NM_020821.3(VPS13C):c.2779C>T (p.Gln927Ter)

Gene: VPS13C (vacuolar protein sorting 13 homolog C; minus strand). Cytogenetic location: 15q22.2.
Variant type: single nucleotide variant.
Coding change: c.2779C>T on transcript NM_020821.3 (MANE Select); coding-DNA position 2779, C replaced by T.
Protein change: p.Gln927Ter; replaces glutamine 927 with a stop codon.
Molecular consequence: nonsense.
Genome position (GRCh38, 1-based): chr15:61,969,431, G>A on the plus strand (C>T on the coding strand, the complement: VPS13C is on the minus strand). VCF-style: chr15-61969431-G-A. GRCh37 (hg19) VCF-style: chr15-62261630-G-A.
Other names: c.2779C>T, p.Gln927Ter (NM_001018088.3); c.2650C>T, p.Gln884Ter (NM_017684.5, NM_018080.4); short protein forms Q884*, Q927*.
Identifiers: ClinVar variation 2006932 (VCV002006932.4), dbSNP rs767990486, ClinGen allele CA392710746.

ClinVar aggregate classification (germline): Pathogenic (1 of 4 stars; one submission).

gnomAD v4.1: 1 of 1,547,350 alleles (0.000065%); highest among the groups gnomAD compares: Non-Finnish European, 0.000087%; no homozygotes.

Submission:

Labcorp Genetics (formerly Invitae), Labcorp
Classification: Pathogenic. Last evaluated: 2024-04-17. Review status: criteria provided, single submitter. Criteria: Invitae Variant Classification Sherloc (09022015). Collection method: clinical testing. Allele origin: germline.
Comment: This sequence change creates a premature translational stop signal (p.Gln927*) in the VPS13C gene. It is expected to result in an absent or disrupted protein product. Loss-of-function variants in VPS13C are known to be pathogenic (PMID: 26942284, 34875562). This variant is not present in population databases (gnomAD no frequency). This variant has not been reported in the literature in individuals affected with VPS13C-related conditions. ClinVar contains an entry for this variant (Variation ID: 2006932). Algorithms developed to predict the effect of sequence changes on RNA splicing suggest that this variant may disrupt the consensus splice site. For these reasons, this variant has been classified as Pathogenic.

Literature cited by the submitters: PubMed 26942284; PubMed 34875562.